The following is an entry in ClinVar:

ClinVar aggregate classification (germline): Likely benign (1 of 4 stars; one submission).

Conditions:
PCARE-related disorder. Also called: PCARE-related condition.

gnomAD v4.1: 15 of 1,613,574 alleles (0.00093%); highest among the groups gnomAD compares: African/African-American, 0.011%; no homozygotes.

Submission:

PreventionGenetics, part of Exact Sciences
Classification: Likely benign for PCARE-related condition. Last evaluated: 2025-03-07. Review status: criteria provided, single submitter. Criteria: ACMG Guidelines, 2015. Collection method: clinical testing. Allele origin: germline.
Comment: This variant is classified as likely benign based on ACMG/AMP sequence variant interpretation guidelines (Richards et al. 2015 PMID: 25741868, with internal and published modifications).

NM_001029883.3(PCARE):c.2931G>C (p.Leu977=)

Gene: PCARE (photoreceptor cilium actin regulator; minus strand). Cytogenetic location: 2p23.2.
Variant type: single nucleotide variant.
Coding change: c.2931G>C on transcript NM_001029883.3 (MANE Select); coding-DNA position 2931, G replaced by C.
Protein change: p.Leu977=; no amino-acid change (leucine 977 retained).
Molecular consequence: synonymous variant.
Genome position (GRCh38, 1-based): chr2:29,071,331, C>G on the plus strand (G>C on the coding strand, the complement: PCARE is on the minus strand). VCF-style: chr2-29071331-C-G. GRCh37 (hg19) VCF-style: chr2-29294197-C-G.
Identifiers: ClinVar variation 4982105 (VCV004982105.1).